The following is an entry in ClinVar:

ClinVar aggregate classification (germline): Likely benign (0 of 4 stars; one submission).

Conditions:
ZNF141-related disorder. Also called: ZNF141-related condition.

Allele frequency attached by ClinVar (database versions not stated): ExAC 0.00125; 1000 Genomes Project 0.02696.

Submission:

PreventionGenetics, part of Exact Sciences
Classification: Likely benign for ZNF141-related condition. Last evaluated: 2019-08-30. Review status: no assertion criteria provided. Collection method: clinical testing. Allele origin: germline.
Comment: This variant is classified as likely benign based on ACMG/AMP sequence variant interpretation guidelines (Richards et al. 2015 PMID: 25741868, with internal and published modifications).

NM_003441.4(ZNF141):c.1041T>C (p.Ala347=)

Gene: ZNF141 (zinc finger protein 141; plus strand). Cytogenetic location: 4p16.3.
Variant type: single nucleotide variant.
Coding change: c.1041T>C on transcript NM_003441.4 (MANE Select); coding-DNA position 1041, T replaced by C.
Protein change: p.Ala347=; no amino-acid change (alanine 347 retained).
Molecular consequence: synonymous variant. On other transcripts: intron variant (1).
Genome position (GRCh38, 1-based): chr4:373,478, T>C. VCF-style: chr4-373478-T-C. GRCh37 (hg19) VCF-style: chr4-367267-T-C.
Other names: c.813T>C, p.Ala271= (NM_001348277.2); c.570+471T>C (NM_001348278.2).
Identifiers: ClinVar variation 3060550 (VCV003060550.2), dbSNP rs201021508, ClinGen allele CA2791827.